The following is an entry in ClinVar:

ClinVar aggregate classification (germline): Uncertain significance (1 of 4 stars; one submission).

Allele frequency attached by ClinVar (database versions not stated): gnomAD exomes below 0.00001.
gnomAD v4.1: 1 of 1,614,182 alleles (0.000062%); highest among the groups gnomAD compares: Admixed American, 0.0017%; no homozygotes.

Submission:

Labcorp Genetics (formerly Invitae), Labcorp
Classification: Uncertain significance. Last evaluated: 2022-02-10. Review status: criteria provided, single submitter. Criteria: Invitae Variant Classification Sherloc (09022015). Collection method: clinical testing. Allele origin: germline.
Comment: This sequence change replaces glutamic acid, which is acidic and polar, with glycine, which is neutral and non-polar, at codon 1403 of the ABCA1 protein (p.Glu1403Gly). This variant is present in population databases (no rsID available, gnomAD 0.003%). This variant has not been reported in the literature in individuals affected with ABCA1-related conditions. Advanced modeling of protein sequence and biophysical properties (such as structural, functional, and spatial information, amino acid conservation, physicochemical variation, residue mobility, and thermodynamic stability) performed at Invitae indicates that this missense variant is not expected to disrupt ABCA1 protein function. In summary, the available evidence is currently insufficient to determine the role of this variant in disease. Therefore, it has been classified as a Variant of Uncertain Significance.

NM_005502.4(ABCA1):c.4208A>G (p.Glu1403Gly)

Gene: ABCA1 (ATP binding cassette subfamily A member 1; minus strand). Cytogenetic location: 9q31.1.
Variant type: single nucleotide variant.
Coding change: c.4208A>G on transcript NM_005502.4 (MANE Select); coding-DNA position 4208, A replaced by G.
Protein change: p.Glu1403Gly; replaces glutamic acid 1403 with glycine.
Molecular consequence: missense variant.
Genome position (GRCh38, 1-based): chr9:104,809,532, T>C on the plus strand (A>G on the coding strand, the complement: ABCA1 is on the minus strand). VCF-style: chr9-104809532-T-C. GRCh37 (hg19) VCF-style: chr9-107571813-T-C.
Other names: short protein forms E1403G.
Identifiers: ClinVar variation 2095147 (VCV002095147.4), dbSNP rs1186261927, ClinGen allele CA374316446.